The following is an entry in ClinVar:

ClinVar aggregate classification (germline): Likely benign (0 of 4 stars; one submission).

Conditions:
MYO5B-related disorder. Also called: MYO5B-related condition.

Allele frequency attached by ClinVar (database versions not stated): gnomAD exomes below 0.00001; ExAC 0.00001; TOPMed 0.00002; gnomAD 0.00003.
gnomAD v4.1: 9 of 1,614,046 alleles (0.00056%); highest among the groups gnomAD compares: African/African-American, 0.012%; no homozygotes.

Submission:

PreventionGenetics, part of Exact Sciences
Classification: Likely benign for MYO5B-related condition. Last evaluated: 2021-05-20. Review status: no assertion criteria provided. Collection method: clinical testing. Allele origin: germline.
Comment: This variant is classified as likely benign based on ACMG/AMP sequence variant interpretation guidelines (Richards et al. 2015 PMID: 25741868, with internal and published modifications).

NM_001080467.3(MYO5B):c.4791T>C (p.Leu1597=)

Genes: MYO5B (myosin VB; minus strand), SNHG22 (small nucleolar RNA host gene 22; plus strand). Cytogenetic location: 18q21.1.
Variant type: single nucleotide variant.
Coding change: c.4791T>C on transcript NM_001080467.3 (MANE Select); coding-DNA position 4791, T replaced by C.
Protein change: p.Leu1597=; no amino-acid change (leucine 1597 retained).
Molecular consequence: synonymous variant.
Genome position (GRCh38, 1-based): chr18:49,839,205, A>G on the plus strand (T>C on the coding strand, the complement: MYO5B is on the minus strand). VCF-style: chr18-49839205-A-G. GRCh37 (hg19) VCF-style: chr18-47365575-A-G.
Identifiers: ClinVar variation 3061710 (VCV003061710.2), dbSNP rs767224726, ClinGen allele CA8960223.
Genomic context (GRCh38, chr18:49,839,205, plus strand): 5'-TATCATCGGCTGTAACACGCCCTCGGCAATTTTAATGAGCTGCTGGTAGATCTGAATGGA[A>G]AGGTCACTCAGCACCTGACGGTATTCGGTGAGGTCAAAATTCTTAAGACAGTGTTCATTC-3'
Protein context (NP_001073936.1, residues 1587-1607): LTEYRQVLSD[Leu1597=]SIQIYQQLIK